The following is an entry in ClinVar:

NM_002184.4(IL6ST):c.403A>G (p.Ile135Val)

Gene: IL6ST (interleukin 6 cytokine family signal transducer; minus strand). Cytogenetic location: 5q11.2.
Variant type: single nucleotide variant.
Coding change: c.403A>G on transcript NM_002184.4 (MANE Select); coding-DNA position 403, A replaced by G.
Protein change: p.Ile135Val; replaces isoleucine 135 with valine.
Molecular consequence: missense variant. On other transcripts: non-coding transcript variant (2), intron variant (3).
Genome position (GRCh38, 1-based): chr5:55,968,364, T>C on the plus strand (A>G on the coding strand, the complement: IL6ST is on the minus strand). VCF-style: chr5-55968364-T-C. GRCh37 (hg19) VCF-style: chr5-55264192-T-C.
Other names: c.403A>G, p.Ile135Val (NM_001190981.2, NM_001364275.2, NM_175767.3); c.193A>G, p.Ile65Val (NM_001364276.2); c.-423+1186A>G (NM_001364279.2, NM_001364277.2); c.-413+1186A>G (NM_001364278.2); short protein forms I135V, I65V.
Identifiers: ClinVar variation 1578521 (VCV001578521.32), dbSNP rs200551540, ClinGen allele CA3271711.

ClinVar aggregate classification (germline): Benign. Review status: criteria provided, multiple submitters, no conflicts (2 of 4 stars). 2 submissions from 2 submitters: Benign (2). Last evaluated 2025-12-03.

Allele frequency attached by ClinVar (database versions not stated): gnomAD 0.00001 and 0.00040; TOPMed 0.00007; gnomAD exomes 0.00068 and 0.00140; ExAC 0.00174; 1000 Genomes Project 30x 0.00250; 1000 Genomes Project 0.00300.
gnomAD v4.1: 1,046 of 1,612,284 alleles (0.065%); highest among the groups gnomAD compares: South Asian, 1.1%; 12 homozygotes.

Submissions (2):

Labcorp Genetics (formerly Invitae), Labcorp
Classification: Benign. Last evaluated: 2025-12-03. Review status: criteria provided, single submitter. Criteria: Invitae Variant Classification Sherloc (09022015). Collection method: clinical testing. Allele origin: germline.

CeGaT Center for Human Genetics Tuebingen
Classification: Benign. Last evaluated: 2023-02-01. Review status: criteria provided, single submitter. Criteria: CeGaT Center For Human Genetics Tuebingen Variant Classification Criteria Version 2. Collection method: clinical testing. Allele origin: germline. Affected: yes. Observed: 1 variant allele.
Comment: IL6ST: BP4, BS1, BS2